The following is an entry in ClinVar:

NM_001939.3(DRP2):c.2674G>A (p.Ala892Thr)

Gene: DRP2 (dystrophin related protein 2; plus strand). Cytogenetic location: Xq22.1.
Variant type: single nucleotide variant.
Coding change: c.2674G>A on transcript NM_001939.3 (MANE Select); coding-DNA position 2674, G replaced by A.
Protein change: p.Ala892Thr; replaces alanine 892 with threonine.
Molecular consequence: missense variant.
Genome position (GRCh38, 1-based): chrX:101,260,094, G>A. VCF-style: chrX-101260094-G-A. GRCh37 (hg19) VCF-style: chrX-100515083-G-A.
Other names: c.2440G>A, p.Ala814Thr (NM_001171184.2); short protein forms A814T, A892T.
Identifiers: ClinVar variation 2844386 (VCV002844386.3), dbSNP rs2520296859, ClinGen allele CA413913183.

ClinVar aggregate classification (germline): Uncertain significance (1 of 4 stars; one submission).

Allele frequency attached by ClinVar (database versions not stated): gnomAD exomes below 0.00001.
gnomAD v4.1: 1 of 1,211,453 alleles (0.000083%); highest among the groups gnomAD compares: Non-Finnish European, 0.00011%; no homozygotes.

Submission:

Labcorp Genetics (formerly Invitae), Labcorp
Classification: Uncertain significance. Last evaluated: 2023-03-09. Review status: criteria provided, single submitter. Criteria: Invitae Variant Classification Sherloc (09022015). Collection method: clinical testing. Allele origin: germline.
Comment: In summary, the available evidence is currently insufficient to determine the role of this variant in disease. Therefore, it has been classified as a Variant of Uncertain Significance. Algorithms developed to predict the effect of sequence changes on RNA splicing suggest that this variant may create or strengthen a splice site. Advanced modeling of protein sequence and biophysical properties (such as structural, functional, and spatial information, amino acid conservation, physicochemical variation, residue mobility, and thermodynamic stability) performed at Invitae indicates that this missense variant is not expected to disrupt DRP2 protein function. This variant has not been reported in the literature in individuals affected with DRP2-related conditions. This variant is not present in population databases (gnomAD no frequency). This sequence change replaces alanine, which is neutral and non-polar, with threonine, which is neutral and polar, at codon 892 of the DRP2 protein (p.Ala892Thr).